The following is an entry in ClinVar:

NM_000642.3(AGL):c.4106C>G (p.Ser1369Ter)

Gene: AGL (amylo-alpha-1,6-glucosidase and 4-alpha-glucanotransferase; plus strand). Cytogenetic location: 1p21.2.
Variant type: single nucleotide variant.
Coding change: c.4106C>G on transcript NM_000642.3 (MANE Select); coding-DNA position 4106, C replaced by G.
Protein change: p.Ser1369Ter; replaces serine 1369 with a stop codon.
Molecular consequence: nonsense.
Genome position (GRCh38, 1-based): chr1:99,913,683, C>G. VCF-style: chr1-99913683-C-G. GRCh37 (hg19) VCF-style: chr1-100379239-C-G.
Other names: c.4106C>G, p.Ser1369Ter (NM_000028.3, NM_000643.3, NM_000644.3 and 1 more transcripts); c.4058C>G, p.Ser1353Ter (NM_000646.3); c.4085C>G, p.Ser1362Ter (NM_001425326.1); c.3905C>G, p.Ser1302Ter (NM_001425327.1); c.3902C>G, p.Ser1301Ter (NM_001425328.1); c.3767C>G, p.Ser1256Ter (NM_001425329.1); c.3728C>G, p.Ser1243Ter (NM_001425332.1); short protein forms S1243*, S1256*, S1301*, S1302*, S1353*, S1362*, S1369*.
Identifiers: ClinVar variation 5012557 (VCV005012557.1).

ClinVar aggregate classification (germline): Pathogenic (1 of 4 stars; one submission).

Conditions:
Glycogen storage disease type III (GSD3). Also called: FORBES DISEASE; Cori disease. Identifiers: Orphanet 366, MedGen C0017922, MONDO:0009291, OMIM 232400.

Submission:

Myriad Genetics, Inc.
Classification: Pathogenic for Glycogen storage disease type III. Last evaluated: 2023-12-09. Review status: criteria provided, single submitter. Criteria: Myriad Autosomal Dominant, Autosomal Recessive and X-Linked Classification Criteria (2023). Collection method: clinical testing. Allele origin: unknown.
Comment: NM_000642.2(AGL):c.4106C>G(S1369*) is expected to be pathogenic in the context of glycogen storage disease type III. This variant is predicted to lead to an abnormal or absent protein product due to the creation of a premature termination codon in AGL, a gene where loss-of-function variants are known to be pathogenic. Please note: this variant was assessed in the context of healthy population screening.